The following is an entry in ClinVar:

NM_002206.3(ITGA7):c.-4T>G

Gene: ITGA7 (integrin subunit alpha 7; minus strand). Cytogenetic location: 12q13.2.
Variant type: single nucleotide variant.
Coding change: c.-4T>G on transcript NM_002206.3 (MANE Select); 4 bases upstream of the start codon, T replaced by G.
Molecular consequence: 5 prime UTR variant. On other transcripts: intron variant (3).
Genome position (GRCh38, 1-based): chr12:55,707,686, A>C on the plus strand (T>G on the coding strand, the complement: ITGA7 is on the minus strand). VCF-style: chr12-55707686-A-C. GRCh37 (hg19) VCF-style: chr12-56101470-A-C.
Other names: c.-4T>G (NM_001144996.2, NM_001374465.1, NM_001410977.1 and 6 more transcripts); c.-1176T>G (NM_001367994.1); c.85+4377T>G (NM_001144997.2); c.-134+4377T>G (NM_001367993.1, NM_001414035.1).
Identifiers: ClinVar variation 3030575 (VCV003030575.2), dbSNP rs1195187898, ClinGen allele CA605247176.

ClinVar aggregate classification (germline): Likely benign (0 of 4 stars; one submission).

Conditions:
ITGA7-related disorder. Also called: ITGA7-related condition.

Allele frequency attached by ClinVar (database versions not stated): gnomAD exomes 0.00001; TOPMed 0.00001.
gnomAD v4.1: 4 of 1,567,472 alleles (0.00026%); highest among the groups gnomAD compares: Admixed American, 0.0076%; no homozygotes.

Submission:

PreventionGenetics, part of Exact Sciences
Classification: Likely benign for ITGA7-related condition. Last evaluated: 2023-08-23. Review status: no assertion criteria provided. Collection method: clinical testing. Allele origin: germline.
Comment: This variant is classified as likely benign based on ACMG/AMP sequence variant interpretation guidelines (Richards et al. 2015 PMID: 25741868, with internal and published modifications).